The following is an entry in ClinVar:

NM_000053.4(ATP7B):c.661C>T (p.Pro221Ser)

Gene: ATP7B (ATPase copper transporting beta; minus strand). Cytogenetic location: 13q14.3.
Variant type: single nucleotide variant.
Coding change: c.661C>T on transcript NM_000053.4 (MANE Select); coding-DNA position 661, C replaced by T.
Protein change: p.Pro221Ser; replaces proline 221 with serine.
Molecular consequence: missense variant.
Genome position (GRCh38, 1-based): chr13:51,974,559, G>A on the plus strand (C>T on the coding strand, the complement: ATP7B is on the minus strand). VCF-style: chr13-51974559-G-A. GRCh37 (hg19) VCF-style: chr13-52548695-G-A.
Other names: c.661C>T, p.Pro221Ser (NM_001406521.1, NM_001406522.1, NM_001406523.1 and 30 more transcripts); c.565C>T, p.Pro189Ser (NM_001406530.1, NM_001406517.1, NM_001406518.1 and 4 more transcripts); short protein forms P189S, P221S.
Identifiers: ClinVar variation 3073321 (VCV003073321.1), dbSNP rs2547819917, ClinGen allele CA388042034.

ClinVar aggregate classification (germline): Uncertain significance (1 of 4 stars; one submission).

Conditions:
Wilson disease (WND). Also called: Wilson's disease. Identifiers: Orphanet 905, MedGen C0019202, MONDO:0010200, OMIM 277900. Disease mechanism: loss of function.

Allele frequency attached by ClinVar (database versions not stated): gnomAD exomes below 0.00001.
gnomAD v4.1: 3 of 1,614,144 alleles (0.00019%); highest among the groups gnomAD compares: Non-Finnish European, 0.000085%; no homozygotes.

Submission:

All of Us Research Program, National Institutes of Health
Classification: Uncertain significance for Wilson disease. Last evaluated: 2023-09-04. Review status: criteria provided, single submitter. Criteria: ACMG Guidelines, 2015. Collection method: clinical testing. Allele origin: germline. Inheritance: Autosomal recessive inheritance. Observed: 1 variant allele, 1 heterozygote.
Comment: This missense variant replaces proline with serine at codon 221 of the ATP7B protein. Computational prediction suggests that this variant may not impact protein structure and function (internally defined REVEL score threshold <= 0.5, PMID: 27666373). To our knowledge, functional studies have not been reported for this variant. This variant has not been reported in individuals affected with ATP7B-related disorders in the literature. This variant has not been identified in the general population by the Genome Aggregation Database (gnomAD). The available evidence is insufficient to determine the role of this variant in disease conclusively. Therefore, this variant is classified as a Variant of Uncertain Significance.

This study involves interpretation of variants in research participants for the purpose of population health screening. Participant phenotype was not available at the time of variant classification. Additional details can be found in publication PMID: 35346344, PMCID: PMC8962531